The following is an entry in ClinVar:

ClinVar aggregate classification (germline): Likely benign. Review status: criteria provided, single submitter (1 of 4 stars). 2 submissions from 2 submitters: Likely benign (1). 1 of the submissions does not count toward it. Last evaluated 2025-10-02.

Conditions:
SUN1-related disorder. Also called: SUN1-related condition.
Emery-Dreifuss muscular dystrophy (EDMD). Also called: Scapuloperoneal syndrome, X-linked (formerly); Humeroperoneal neuromuscular disease, (formerly). Identifiers: Orphanet 261, MedGen C0410189, MONDO:0016830.

Allele frequency attached by ClinVar (database versions not stated): ExAC 0.00012; gnomAD exomes 0.00013 and 0.00022; ESP Exome Variant Server 0.00016; gnomAD 0.00019 and 0.00024; TOPMed 0.00028.
gnomAD v4.1: 349 of 1,613,086 alleles (0.022%); highest among the groups gnomAD compares: Non-Finnish European, 0.027%; no homozygotes.

Submissions (2):

Labcorp Genetics (formerly Invitae), Labcorp
Classification: Likely benign for Emery-Dreifuss muscular dystrophy. Last evaluated: 2025-10-02. Review status: criteria provided, single submitter. Criteria: Invitae Variant Classification Sherloc (09022015). Collection method: clinical testing. Allele origin: germline.

PreventionGenetics, part of Exact Sciences
Classification: Likely benign for SUN1-related condition. Last evaluated: 2019-08-07. Review status: no assertion criteria provided. Collection method: clinical testing. Allele origin: germline. Not counted in ClinVar's aggregate classification.
Comment: This variant is classified as likely benign based on ACMG/AMP sequence variant interpretation guidelines (Richards et al. 2015 PMID: 25741868, with internal and published modifications).

NM_001130965.3(SUN1):c.543C>T (p.Asn181=)

Gene: SUN1 (Sad1 and UNC84 domain containing 1; plus strand). Cytogenetic location: 7p22.3.
Variant type: single nucleotide variant.
Coding change: c.543C>T on transcript NM_001130965.3 (MANE Select); coding-DNA position 543, C replaced by T.
Protein change: p.Asn181=; no amino-acid change (asparagine 181 retained).
Molecular consequence: synonymous variant. On other transcripts: non-coding transcript variant (3), intron variant (1), 5 prime UTR variant (3), missense variant (1).
Genome position (GRCh38, 1-based): chr7:843,405, C>T. VCF-style: chr7-843405-C-T. GRCh37 (hg19) VCF-style: chr7-883042-C-T.
Other names: c.543C>T, p.Asn181= (NM_001367688.1, NM_001367690.1, NM_001367692.1 and 32 more transcripts); c.393C>T, p.Asn131= (NM_001367689.1, NM_001367691.1, NM_001367701.1 and 23 more transcripts); c.354C>T, p.Asn118= (NM_001367695.1); c.451+1275C>T (NM_001171944.2); c.-25C>T (NM_001367708.1, NM_001367639.1); c.606C>T, p.Asn202= (NM_001171945.2); c.86C>T, p.Thr29Met (NM_001367635.1); c.762C>T, p.Asn254= (NM_001367651.1); and 2 more; short protein forms T29M.
Identifiers: ClinVar variation 706642 (VCV000706642.12), dbSNP rs372377655, ClinGen allele CA4111592.